The following is an entry in ClinVar:

ClinVar aggregate classification (germline): Likely pathogenic (1 of 4 stars; one submission).

Conditions:
Autosomal recessive limb-girdle muscular dystrophy type 2J (LGMDR10). Also called: Limb-girdle muscular dystrophy, type 2J; MUSCULAR DYSTROPHY, LIMB-GIRDLE, AUTOSOMAL RECESSIVE 10. Identifiers: Orphanet 140922, MedGen C1837342, MONDO:0012127, OMIM 608807.
Dilated cardiomyopathy 1G (CMD1G). Identifiers: Orphanet 154, MedGen C1858763, MONDO:0011400, OMIM 604145.

Submission:

Labcorp Genetics (formerly Invitae), Labcorp
Classification: Likely pathogenic for Dilated cardiomyopathy 1G; Autosomal recessive limb-girdle muscular dystrophy type 2J. Last evaluated: 2025-12-17. Review status: criteria provided, single submitter. Criteria: Invitae Variant Classification Sherloc (09022015). Collection method: clinical testing. Allele origin: germline.
Comment: This sequence change creates a premature translational stop signal (p.Ile28398Metfs*18) in the TTN gene. While this is not anticipated to result in nonsense mediated decay, it is expected to create a truncated TTN protein. This variant is not present in population databases (gnomAD no frequency). This variant has not been reported in the literature in individuals affected with TTN-related conditions. This variant is located in the A band of TTN (PMID: 25589632). Truncating variants in this region are significantly overrepresented in patients affected with dilated cardiomyopathy (PMID: 25589632). Truncating variants in this region have also been reported in individuals affected with autosomal recessive centronuclear myopathy (PMID: 23975875). In summary, the currently available evidence indicates that the variant is pathogenic, but additional data are needed to prove that conclusively. Therefore, this variant has been classified as Likely Pathogenic.

Literature cited by the submitters: PubMed 25589632; PubMed 23975875.

NM_001267550.2(TTN):c.85194del (p.Ile28398fs)

Genes: TTN-AS1 (TTN antisense RNA 1; plus strand), TTN (titin; minus strand). Cytogenetic location: 2q31.2.
Variant type: Deletion.
Coding change: c.85194del on transcript NM_001267550.2 (MANE Select); coding-DNA position 85194, one base deleted (T; older notation c.85194delT).
Protein change: p.Ile28398fs; shifts the reading frame from isoleucine 28398.
Molecular consequence: frameshift variant.
Genome position (GRCh38, 1-based): chr2:178,560,938, A deleted on the plus strand (T on the coding strand, the reverse complement: TTN is on the minus strand); the first of 2 consecutive A bases (chr2:178,560,938-178,560,939); deleting either gives the same sequence. VCF-style (leftmost placement, unchanged base first): chr2-178560937-CA-C. GRCh37 (hg19) VCF-style: chr2-179425664-CA-C.
Other names: c.80271del, p.Ile26757fs (NM_001256850.1); c.57999del, p.Ile19333fs (NM_003319.4); c.77490del, p.Ile25830fs (NM_133378.4); c.58374del, p.Ile19458fs (NM_133432.3); c.58575del, p.Ile19525fs (NM_133437.4); short protein forms I19333fs, I19458fs, I19525fs, I25830fs, I26757fs, I28398fs.
Identifiers: ClinVar variation 4787063 (VCV004787063.1).